The following is an entry in ClinVar:

NM_001134363.3(RBM20):c.3330C>G (p.Tyr1110Ter)

Gene: RBM20 (RNA binding motif protein 20; plus strand). Cytogenetic location: 10q25.2.
Variant type: single nucleotide variant.
Coding change: c.3330C>G on transcript NM_001134363.3 (MANE Select); coding-DNA position 3330, C replaced by G.
Protein change: p.Tyr1110Ter; replaces tyrosine 1110 with a stop codon.
Molecular consequence: nonsense.
Genome position (GRCh38, 1-based): chr10:110,823,493, C>G. VCF-style: chr10-110823493-C-G. GRCh37 (hg19) VCF-style: chr10-112583251-C-G.
Other names: short protein forms Y1110*.
Identifiers: ClinVar variation 411650 (VCV000411650.8), dbSNP rs991930637, ClinGen allele CA16613016.

ClinVar aggregate classification (germline): Pathogenic (1 of 4 stars; one submission).

Conditions:
Dilated cardiomyopathy 1DD (CMD1DD). Identifiers: Orphanet 154, MedGen C2750995, MONDO:0013168, OMIM 613172.

Submission:

Labcorp Genetics (formerly Invitae), Labcorp
Classification: Pathogenic for Dilated cardiomyopathy 1DD. Last evaluated: 2025-12-08. Review status: criteria provided, single submitter. Criteria: Invitae Variant Classification Sherloc (09022015). Collection method: clinical testing. Allele origin: germline.
Comment: This sequence change creates a premature translational stop signal (p.Tyr1110*) in the RBM20 gene. It is expected to result in an absent or disrupted protein product. Loss-of-function variants in RBM20 are known to be pathogenic (PMID: 20590677, 22004663, 38288598, 38510713, 40339755). This variant is not present in population databases (gnomAD no frequency). This variant has not been reported in the literature in individuals affected with RBM20-related conditions. ClinVar contains an entry for this variant (Variation ID: 411650). Algorithms developed to predict the effect of sequence changes on RNA splicing suggest that this variant may disrupt the consensus splice site. For these reasons, this variant has been classified as Pathogenic.

Literature cited by the submitters: PubMed 20590677; PubMed 22004663; PubMed 38288598; PubMed 38510713; PubMed 40339755.